The following is an entry in ClinVar:

NM_005618.4(DLL1):c.1985A>G (p.Asp662Gly)

Genes: DLL1 (delta like canonical Notch ligand 1; minus strand), LOC126859913 (P300/CBP strongly-dependent group 1 enhancer GRCh37_chr6:170591232-170592431; plus strand). Cytogenetic location: 6q27.
Variant type: single nucleotide variant.
Coding change: c.1985A>G on transcript NM_005618.4 (MANE Select); coding-DNA position 1985, A replaced by G.
Protein change: p.Asp662Gly; replaces aspartic acid 662 with glycine.
Molecular consequence: missense variant.
Genome position (GRCh38, 1-based): chr6:170,283,294, T>C on the plus strand (A>G on the coding strand, the complement: DLL1 is on the minus strand). VCF-style: chr6-170283294-T-C. GRCh37 (hg19) VCF-style: chr6-170592382-T-C.
Other names: short protein forms D662G.
Identifiers: ClinVar variation 2700564 (VCV002700564.3), dbSNP rs2483345141, ClinGen allele CA366506136.

ClinVar aggregate classification (germline): Uncertain significance (1 of 4 stars; one submission).

Allele frequency attached by ClinVar (database versions not stated): gnomAD exomes below 0.00001.

Submission:

Labcorp Genetics (formerly Invitae), Labcorp
Classification: Uncertain significance. Last evaluated: 2023-12-18. Review status: criteria provided, single submitter. Criteria: Invitae Variant Classification Sherloc (09022015). Collection method: clinical testing. Allele origin: germline.
Comment: This sequence change replaces aspartic acid, which is acidic and polar, with glycine, which is neutral and non-polar, at codon 662 of the DLL1 protein (p.Asp662Gly). This variant is not present in population databases (gnomAD no frequency). This variant has not been reported in the literature in individuals affected with DLL1-related conditions. An algorithm developed to predict the effect of missense changes on protein structure and function (PolyPhen-2) suggests that this variant is likely to be tolerated. In summary, the available evidence is currently insufficient to determine the role of this variant in disease. Therefore, it has been classified as a Variant of Uncertain Significance.